The following is an entry in ClinVar:

NM_001368397.1(FRMPD4):c.803C>T (p.Thr268Ile)

Gene: FRMPD4 (FERM and PDZ domain containing 4; plus strand). Cytogenetic location: Xp22.2.
Variant type: single nucleotide variant.
Coding change: c.803C>T on transcript NM_001368397.1 (MANE Select); coding-DNA position 803, C replaced by T.
Protein change: p.Thr268Ile; replaces threonine 268 with isoleucine.
Molecular consequence: missense variant.
Genome position (GRCh38, 1-based): chrX:12,690,316, C>T. VCF-style: chrX-12690316-C-T. GRCh37 (hg19) VCF-style: chrX-12708435-C-T.
Other names: c.914C>T, p.Thr305Ile (NM_001368395.3, NM_001368398.3); c.809C>T, p.Thr270Ile (NM_001368396.3); c.794C>T, p.Thr265Ile (NM_001368399.3); c.683C>T, p.Thr228Ile (NM_001368400.3); c.779C>T, p.Thr260Ile (NM_001368401.1, NM_001368402.3); c.803C>T, p.Thr268Ile (NM_014728.3); short protein forms T228I, T260I, T265I, T268I, T270I, T305I.
Identifiers: ClinVar variation 4527224 (VCV004527224.1).

ClinVar aggregate classification (germline): Uncertain significance (1 of 4 stars; one submission).

Submission:

GeneDx
Classification: Uncertain significance. Last evaluated: 2025-04-24. Review status: criteria provided, single submitter. Criteria: GeneDx Variant Classification Process June 2021. Collection method: clinical testing. Allele origin: germline. Affected: yes.
Comment: Not observed at significant frequency in large population cohorts (gnomAD); In silico analysis indicates that this missense variant does not alter protein structure/function; Has not been previously published as pathogenic or benign to our knowledge